The following is an entry in ClinVar:

NM_000260.4(MYO7A):c.6051+234C>G

Gene: MYO7A (myosin VIIA; plus strand). Cytogenetic location: 11q13.5.
Variant type: single nucleotide variant.
Coding change: c.6051+234C>G on transcript NM_000260.4 (MANE Select); 234 bases into the intron after coding-DNA position 6051, C replaced by G.
Molecular consequence: intron variant.
Genome position (GRCh38, 1-based): chr11:77,209,037, C>G. VCF-style: chr11-77209037-C-G. GRCh37 (hg19) VCF-style: chr11-76920082-C-G.
Other names: c.5904+234C>G (NM_001369365.1); c.5937+234C>G (NM_001127180.2).
Identifiers: ClinVar variation 678841 (VCV000678841.2), dbSNP rs885441, ClinGen allele CA13422797.

ClinVar aggregate classification (germline): Benign. Review status: criteria provided, multiple submitters, no conflicts (2 of 4 stars). 2 submissions from 2 submitters: Benign (2). Last evaluated 2018-06-14.

Allele frequency attached by ClinVar (database versions not stated): 1000 Genomes Project 0.51398; 1000 Genomes Project 30x 0.51796; TOPMed 0.56221.
gnomAD v4.1: 309,183 of 551,850 alleles (56%); highest among the groups gnomAD compares: Admixed American, 64%; 87,789 homozygotes.

Submissions (2):

GeneDx
Classification: Benign. Last evaluated: 2018-06-14. Review status: criteria provided, single submitter. Criteria: GeneDx Variant Classification (06012015). Collection method: clinical testing. Allele origin: germline. Affected: yes.
Comment: This variant is considered likely benign or benign based on one or more of the following criteria: it is a conservative change, it occurs at a poorly conserved position in the protein, it is predicted to be benign by multiple in silico algorithms, and/or has population frequency not consistent with disease.

Breakthrough Genomics
Classification: Benign. Review status: criteria provided, single submitter. Criteria: ACMG Guidelines, 2015. Collection method: not provided. Allele origin: germline. Inheritance: Autosomal recessive inheritance. Affected: yes.